The following is an entry in ClinVar:

ClinVar aggregate classification (germline): Uncertain significance (1 of 4 stars; one submission).

Conditions:
Galloway-Mowat syndrome 1 (GAMOS1). Identifiers: Orphanet 2065, Orphanet 83472, MedGen C4551772, MONDO:0033005, OMIM 251300.

Allele frequency attached by ClinVar (database versions not stated): ExAC 0.00001; gnomAD 0.00001; gnomAD exomes 0.00001; 1000 Genomes Project 30x 0.00016; 1000 Genomes Project 0.00020.
gnomAD v4.1: 5 of 1,609,710 alleles (0.00031%); highest among the groups gnomAD compares: South Asian, 0.0055%; no homozygotes.

Submission:

Neuberg Centre For Genomic Medicine, NCGM
Classification: Uncertain significance for Galloway-Mowat syndrome 1. Review status: criteria provided, single submitter. Criteria: ACMG Guidelines, 2015. Collection method: clinical testing. Allele origin: germline. Affected: yes.
Comment: The variant c.647G>A in WDR73 has not been reported previously as a pathogenic variant nor as a benign variant, to our knowledge. The amino acid Ser at position 216 is changed to a Asn changing protein sequence and it might alter its composition and physico-chemical properties. The residue is conserved across species. The amino acid change p.Ser216Asn in WDR73 is predicted as conserved by GERP++ and PhyloP across 100 vertebrates. In silico tools predict the variant to be tolerated. For these reasons, this variant has been classified as Uncertain Significance.

NM_032856.5(WDR73):c.647G>A (p.Ser216Asn)

Gene: WDR73 (WD repeat domain 73; minus strand). Cytogenetic location: 15q25.2.
Variant type: single nucleotide variant.
Coding change: c.647G>A on transcript NM_032856.5 (MANE Select); coding-DNA position 647, G replaced by A.
Protein change: p.Ser216Asn; replaces serine 216 with asparagine.
Molecular consequence: missense variant. On other transcripts: non-coding transcript variant (4).
Genome position (GRCh38, 1-based): chr15:84,645,707, C>T on the plus strand (G>A on the coding strand, the complement: WDR73 is on the minus strand). VCF-style: chr15-84645707-C-T. GRCh37 (hg19) VCF-style: chr15-85188938-C-T.
Other names: short protein forms S216N.
Identifiers: ClinVar variation 1878553 (VCV001878553.1), dbSNP rs569814307, ClinGen allele CA7707280.
Genomic context (GRCh38, chr15:84,645,707, plus strand): 5'-CCCTGGCCCCAGCTCCCAACTTCAGCACACCATCTCTCTCCACCAGACCCAGGGCCAGGG[C>T]TGCGATTCTCCAACGGTGCCCACTTCTGCCGGGTGTCAACAAGCCCCAGCCGGCCTGAAG-3'
Protein context (NP_116245.2, residues 206-226): RQKWAPLENR[Ser216Asn]PGPGSGGERW